The following is an entry in ClinVar:

NM_000214.3(JAG1):c.905C>A (p.Thr302Asn)

Gene: JAG1 (jagged canonical Notch ligand 1; minus strand). Cytogenetic location: 20p12.2.
Variant type: single nucleotide variant.
Coding change: c.905C>A on transcript NM_000214.3 (MANE Select); coding-DNA position 905, C replaced by A.
Protein change: p.Thr302Asn; replaces threonine 302 with asparagine.
Molecular consequence: missense variant.
Genome position (GRCh38, 1-based): chr20:10,652,232, G>T on the plus strand (C>A on the coding strand, the complement: JAG1 is on the minus strand). VCF-style: chr20-10652232-G-T. GRCh37 (hg19) VCF-style: chr20-10632880-G-T.
Other names: short protein forms T302N.
Identifiers: ClinVar variation 3573181 (VCV003573181.2).

Conditions:
Arteriohepatic dysplasia. Also called: Alagille Syndrome. Identifiers: Orphanet 52, MedGen C0085280, MeSH D016738, MONDO:0007318.

Submission:

Gilbert/Spinner Lab, Children's Hospital of Philadelphia
No classification provided (evidence only). Condition: Alagille syndrome. Review status: no classification provided. Collection method: research. Allele origin: not applicable. Functional consequence: functionally_abnormal.
ClinVar note: "not provided" was previously submitted as the classification for the variant. However, the classification appeared to be based only on an observation of functional data so it was converted to no classification on 2025-07-30.